The following is an entry in ClinVar:

ClinVar aggregate classification (germline): Uncertain significance (1 of 4 stars; one submission).

gnomAD v4.1: 14 of 1,613,856 alleles (0.00087%); highest among the groups gnomAD compares: Non-Finnish European, 0.0012%; no homozygotes.

Submission:

Labcorp Genetics (formerly Invitae), Labcorp
Classification: Uncertain significance. Last evaluated: 2023-10-03. Review status: criteria provided, single submitter. Criteria: Invitae Variant Classification Sherloc (09022015). Collection method: clinical testing. Allele origin: germline.
Comment: This sequence change replaces arginine, which is basic and polar, with proline, which is neutral and non-polar, at codon 99 of the MICAL1 protein (p.Arg99Pro). This variant is not present in population databases (gnomAD no frequency). This variant has not been reported in the literature in individuals affected with MICAL1-related conditions. An algorithm developed to predict the effect of missense changes on protein structure and function (PolyPhen-2) suggests that this variant is likely to be disruptive. In summary, the available evidence is currently insufficient to determine the role of this variant in disease. Therefore, it has been classified as a Variant of Uncertain Significance.

NM_022765.4(MICAL1):c.239G>C (p.Arg80Pro)

Gene: MICAL1 (microtubule associated monooxygenase, calponin and LIM domain containing 1; minus strand). Cytogenetic location: 6q21.
Variant type: single nucleotide variant.
Coding change: c.239G>C on transcript NM_022765.4 (MANE Select); coding-DNA position 239, G replaced by C.
Protein change: p.Arg80Pro; replaces arginine 80 with proline.
Molecular consequence: missense variant.
Genome position (GRCh38, 1-based): chr6:109,453,958, C>G on the plus strand (G>C on the coding strand, the complement: MICAL1 is on the minus strand). VCF-style: chr6-109453958-C-G. GRCh37 (hg19) VCF-style: chr6-109775161-C-G.
Other names: c.239G>C, p.Arg80Pro (NM_001159291.2); c.296G>C, p.Arg99Pro (NM_001286613.2); short protein forms R80P, R99P.
Identifiers: ClinVar variation 2792139 (VCV002792139.3), dbSNP rs372479975, ClinGen allele CA365233699.